The following is an entry in ClinVar:

ClinVar aggregate classification (germline): Uncertain significance (1 of 4 stars; one submission).

Conditions:
Landau-Kleffner syndrome (FESD). Also called: EPILEPSY, FOCAL, WITH SPEECH DISORDER AND WITH OR WITHOUT MENTAL RETARDATION; APHASIA, ACQUIRED, WITH EPILEPSY. Identifiers: Orphanet 1945, Orphanet 725, Orphanet 98818, MedGen C0282512, MONDO:0009509, OMIM 245570.

Submission:

Labcorp Genetics (formerly Invitae), Labcorp
Classification: Uncertain significance for Landau-Kleffner syndrome. Last evaluated: 2025-09-16. Review status: criteria provided, single submitter. Criteria: Invitae Variant Classification Sherloc (09022015). Collection method: clinical testing. Allele origin: germline.
Comment: This sequence change replaces lysine, which is basic and polar, with glutamic acid, which is acidic and polar, at codon 454 of the GRIN2A protein (p.Lys454Glu). This variant is not present in population databases (gnomAD no frequency). This variant has not been reported in the literature in individuals affected with GRIN2A-related conditions. Invitae Evidence Modeling of protein sequence and biophysical properties (such as structural, functional, and spatial information, amino acid conservation, physicochemical variation, residue mobility, and thermodynamic stability) has been performed for this missense variant. However, the output from this modeling did not meet the statistical confidence thresholds required to predict the impact of this variant on GRIN2A protein function. In summary, the available evidence is currently insufficient to determine the role of this variant in disease. Therefore, it has been classified as a Variant of Uncertain Significance.

NM_001134407.3(GRIN2A):c.1360A>G (p.Lys454Glu)

Gene: GRIN2A (glutamate ionotropic receptor NMDA type subunit 2A; minus strand). Cytogenetic location: 16p13.2.
Variant type: single nucleotide variant.
Coding change: c.1360A>G on transcript NM_001134407.3 (MANE Select); coding-DNA position 1360, A replaced by G.
Protein change: p.Lys454Glu; replaces lysine 454 with glutamic acid.
Molecular consequence: missense variant.
Genome position (GRCh38, 1-based): chr16:9,841,073, T>C on the plus strand (A>G on the coding strand, the complement: GRIN2A is on the minus strand). VCF-style: chr16-9841073-T-C. GRCh37 (hg19) VCF-style: chr16-9934930-T-C.
Other names: c.1360A>G, p.Lys454Glu (NM_000833.5, NM_001134408.2); short protein forms K454E.
Identifiers: ClinVar variation 4745848 (VCV004745848.1).